The following is an entry in ClinVar:

NM_005866.4(SIGMAR1):c.510G>A (p.Met170Ile)

Gene: SIGMAR1 (sigma receptor chaperone 1; minus strand). Cytogenetic location: 9p13.3.
Variant type: single nucleotide variant.
Coding change: c.510G>A on transcript NM_005866.4 (MANE Select); coding-DNA position 510, G replaced by A.
Protein change: p.Met170Ile; replaces methionine 170 with isoleucine.
Molecular consequence: missense variant. On other transcripts: 3 prime UTR variant (2), non-coding transcript variant (1), intron variant (1).
Genome position (GRCh38, 1-based): chr9:34,635,794, C>T on the plus strand (G>A on the coding strand, the complement: SIGMAR1 is on the minus strand). VCF-style: chr9-34635794-C-T. GRCh37 (hg19) VCF-style: chr9-34635791-C-T.
Other names: c.210G>A, p.Met70Ile (NM_001282206.2); c.450G>A, p.Met150Ile (NM_001282207.2); c.*53G>A (NM_001282208.2); c.*37G>A (NM_001282209.2); c.417G>A, p.Met139Ile (NM_147157.3); c.446-154G>A (NM_001282205.2); short protein forms M170I, M70I, M139I, M150I.
Identifiers: ClinVar variation 1387350 (VCV001387350.6), dbSNP rs1336386973, ClinGen allele CA373272646.
Genomic context (GRCh38, chr9:34,635,794, plus strand): 5'-GACAGTGTCGGCCAGCGCGAAGGCCAGGGTGGATGGGATGACGCCCCGGCCGTACTCCAC[C>T]ATCCATGTGTTTGGCCCCCACTCCACAGCTGTTGCCTCACCAGGCCCGTGTACTACCGTC-3'
Protein context (NP_005857.1, residues 160-180): TAVEWGPNTW[Met170Ile]VEYGRGVIPS

ClinVar aggregate classification (germline): Uncertain significance (1 of 4 stars; one submission).

Conditions:
Autosomal recessive distal spinal muscular atrophy 2. Also called: NEUROPATHY, DISTAL HEREDITARY MOTOR, AUTOSOMAL RECESSIVE 2; NEURONOPATHY, DISTAL HEREDITARY MOTOR, JERASH TYPE; NEUROPATHY, DISTAL HEREDITARY MOTOR, JERASH TYPE; SPINAL MUSCULAR ATROPHY, JERASH TYPE; Hereditary motor neuropathy, Jerash type; Motor neuropathy, distal, Jerash type. Identifiers: Orphanet 139552, MedGen C1854023, MONDO:0011585, OMIM 605726.
Amyotrophic lateral sclerosis type 16. Also called: AMYOTROPHIC LATERAL SCLEROSIS 16, JUVENILE. Identifiers: Orphanet 300605, MedGen C3280587, MONDO:0013715, OMIM 614373.

Allele frequency attached by ClinVar (database versions not stated): gnomAD exomes 0.00003; TOPMed 0.00003; gnomAD 0.00012 and 0.00011.

Submission:

Labcorp Genetics (formerly Invitae), Labcorp
Classification: Uncertain significance for Autosomal recessive distal spinal muscular atrophy 2; Amyotrophic lateral sclerosis type 16. Last evaluated: 2022-08-16. Review status: criteria provided, single submitter. Criteria: Invitae Variant Classification Sherloc (09022015). Collection method: clinical testing. Allele origin: germline.
Comment: In summary, the available evidence is currently insufficient to determine the role of this variant in disease. Therefore, it has been classified as a Variant of Uncertain Significance. Algorithms developed to predict the effect of missense changes on protein structure and function are either unavailable or do not agree on the potential impact of this missense change (SIFT: "Tolerated"; PolyPhen-2: "Probably Damaging"; Align-GVGD: "Class C0"). ClinVar contains an entry for this variant (Variation ID: 1387350). This variant has not been reported in the literature in individuals affected with SIGMAR1-related conditions. This variant is present in population databases (no rsID available, gnomAD 0.02%). This sequence change replaces methionine, which is neutral and non-polar, with isoleucine, which is neutral and non-polar, at codon 170 of the SIGMAR1 protein (p.Met170Ile).